The following is an entry in ClinVar:

ClinVar aggregate classification (germline): Conflicting classifications of pathogenicity. Review status: criteria provided, conflicting classifications (1 of 4 stars). 3 submissions from 3 submitters: Uncertain significance (2); Benign (1). Last evaluated 2026-01-06.

Conditions:
Cardiovascular phenotype. Identifiers: MedGen CN230736.
JAG1-related disorder. Also called: JAG1-related condition; JAG1-related disorders.
Alagille syndrome due to a JAG1 point mutation. Also called: HEPATIC DUCTULAR HYPOPLASIA, SYNDROMATIC; Alagille Syndrome 1; JAG1-Related Alagille Syndrome. Identifiers: Orphanet 261619, Orphanet 52, MedGen C1956125, MONDO:0016862, OMIM 118450.

Allele frequency attached by ClinVar (database versions not stated): gnomAD exomes below 0.00001; ExAC 0.00002; TOPMed 0.00006; gnomAD 0.00008; ESP Exome Variant Server 0.00015.
gnomAD v4.1: 15 of 1,614,142 alleles (0.00093%); highest among the groups gnomAD compares: African/African-American, 0.019%; no homozygotes.

Submissions (3):

PreventionGenetics, part of Exact Sciences
Classification: Uncertain significance for JAG1-related condition. Last evaluated: 2026-01-06. Review status: criteria provided, single submitter. Criteria: ACMG Guidelines, 2015. Collection method: clinical testing. Allele origin: germline.
Comment: The JAG1 c.3302G>A variant is predicted to result in the amino acid substitution p.Ser1101Asn. To our knowledge, this variant has not been reported in the literature. This variant is reported in 0.024% of alleles in individuals of African descent in gnomAD. At this time, the clinical significance of this variant is uncertain due to the absence of conclusive functional and genetic evidence.

Labcorp Genetics (formerly Invitae), Labcorp
Classification: Benign for Alagille syndrome due to a JAG1 point mutation. Last evaluated: 2025-03-17. Review status: criteria provided, single submitter. Criteria: Invitae Variant Classification Sherloc (09022015). Collection method: clinical testing. Allele origin: germline.

Ambry Genetics
Classification: Uncertain significance for Cardiovascular phenotype. Last evaluated: 2024-07-27. Review status: criteria provided, single submitter. Criteria: Ambry Variant Classification Scheme 2023. Collection method: clinical testing. Allele origin: germline.

NM_000214.3(JAG1):c.3302G>A (p.Ser1101Asn)

Gene: JAG1 (jagged canonical Notch ligand 1; minus strand). Cytogenetic location: 20p12.2.
Variant type: single nucleotide variant.
Coding change: c.3302G>A on transcript NM_000214.3 (MANE Select); coding-DNA position 3302, G replaced by A.
Protein change: p.Ser1101Asn; replaces serine 1101 with asparagine.
Molecular consequence: missense variant.
Genome position (GRCh38, 1-based): chr20:10,639,853, C>T on the plus strand (G>A on the coding strand, the complement: JAG1 is on the minus strand). VCF-style: chr20-10639853-C-T. GRCh37 (hg19) VCF-style: chr20-10620501-C-T.
Other names: c.3302G>A (NM_000214.2); short protein forms S1101N.
Identifiers: ClinVar variation 2174201 (VCV002174201.10), dbSNP rs377617900, ClinGen allele CA9764228.